The following is an entry in ClinVar:

NM_014049.5(ACAD9):c.130T>A (p.Phe44Ile)

Gene: ACAD9 (acyl-CoA dehydrogenase family member 9; plus strand). Cytogenetic location: 3q21.3.
Variant type: single nucleotide variant.
Coding change: c.130T>A on transcript NM_014049.5 (MANE Select); coding-DNA position 130, T replaced by A.
Protein change: p.Phe44Ile; replaces phenylalanine 44 with isoleucine.
Molecular consequence: missense variant. On other transcripts: non-coding transcript variant (1).
Genome position (GRCh38, 1-based): chr3:128,879,821, T>A. VCF-style: chr3-128879821-T-A. GRCh37 (hg19) VCF-style: chr3-128598664-T-A.
Other names: c.130T>A (NM_014049.4); short protein forms F44I.
Identifiers: ClinVar variation 30881 (VCV000030881.2), dbSNP rs387907041, ClinGen allele CA129517.
Genomic context (GRCh38, chr3:128,879,821, plus strand): 5'-ACCGCGAACCGGCGGCTACTGCGCACCAGCCCGCCTGTACGAGCTTTCGCCAAAGAGCTT[T>A]TCCTAGGCAAAATCAAGAAGGTAACGCGAGCCCTGGGCGAACCCTTGCTGTCTGGCTCCC-3'
Protein context (NP_054768.2, residues 34-54): PPVRAFAKEL[Phe44Ile]LGKIKKKEVF

ClinVar aggregate classification (germline): Likely pathogenic. Review status: criteria provided, single submitter (1 of 4 stars). 2 submissions from 2 submitters: Likely pathogenic (1). 1 of the submissions does not count toward it. Last evaluated 2024-07-04.

Conditions:
Acyl-CoA dehydrogenase 9 deficiency. Also called: MITOCHONDRIAL COMPLEX I DEFICIENCY, NUCLEAR TYPE 20; Acyl-CoA dehydrogenase family, member 9, deficiency of. Identifiers: Orphanet 99901, MedGen C4747517, MONDO:0012624, OMIM 611126.

Submissions (2):

Natera, Inc.
Classification: Likely pathogenic for ACAD9 deficiency. Last evaluated: 2024-07-04. Review status: criteria provided, single submitter. Criteria: Natera Variant Classification Schema (03/2026). Collection method: clinical testing. Allele origin: germline.
Comment: The c.130T>A variant in ACAD9 is a missense variant predicted to cause substitution of phenylalanine to isoleucine at amino acid 44. This variant is rare in the general population with a frequency below the threshold expected for the associated phenotype(s). This variant has been observed in one or more individuals affected with the associated recessive disease, as either homozygous or compound heterozygous with a second variant (PMID: 21057504). Additionally, this variant has been observed to segregate in affected family members (PMID: 21057504). Computational prediction algorithms indicate this variant is likely to affect gene or protein function. Given the available evidence, this variant is classified as Likely Pathogenic.

OMIM
Classification: Pathogenic for MITOCHONDRIAL COMPLEX I DEFICIENCY, NUCLEAR TYPE 20. Last evaluated: 2010-12-01. Review status: no assertion criteria provided. Collection method: literature only. Allele origin: germline. Not counted in ClinVar's aggregate classification.

Literature cited by the submitters: PubMed 21057504 (cited by Natera, Inc. and OMIM).